The following is an entry in ClinVar:

NM_031407.7(HUWE1):c.7317GGAAGATGA[1] (p.2439EED[1])

Genes: HUWE1 (HECT, UBA and WWE domain containing E3 ubiquitin protein ligase 1; minus strand), LOC126863262 (MED14-independent group 3 enhancer GRCh37_chrX:53588722-53589921; plus strand). Cytogenetic location: Xp11.22.
Variant type: Microsatellite.
Coding change: c.7317GGAAGATGA[1] on transcript NM_031407.7 (MANE Select); one copy of the 9-base unit GGAAGATGA starting at c.7317; the reference has two copies in a row; one copy, 9 bases deleted; also written c.7326_7334del.
Protein change: p.2439EED[1].
Molecular consequence: inframe deletion.
Genome position (GRCh38, 1-based): chrX:53,562,115-53,562,123, TCATCTTCC deleted on the plus strand (GGAAGATGA on the coding strand, the reverse complement: HUWE1 is on the minus strand); deleting any 9 consecutive bases within chrX:53,562,115-53,562,134 gives the same sequence; the position shown is the placement nearest the transcript's 3' end. VCF-style (leftmost placement, unchanged base first): chrX-53562114-ATCATCTTCC-A. GRCh37 (hg19) VCF-style: chrX-53589075-ATCATCTTCC-A.
Other names: c.7326_7334del (NM_031407.4).
Identifiers: ClinVar variation 435485 (VCV000435485.7), dbSNP rs781889045, ClinGen allele CA10421971.

ClinVar aggregate classification (germline): Uncertain significance. Review status: criteria provided, multiple submitters, no conflicts (2 of 4 stars). 2 submissions from 2 submitters: Uncertain significance (2). Last evaluated 2022-09-01.

Submissions (2):

GeneDx
Classification: Uncertain significance. Last evaluated: 2022-09-01. Review status: criteria provided, single submitter. Criteria: GeneDx Variant Classification Process June 2021. Collection method: clinical testing. Allele origin: germline. Affected: yes.
Comment: In-frame deletion of 3 amino acids in a non-repeat region; In silico analysis supports that this variant does not alter protein structure/function; Has not been previously published as pathogenic or benign to our knowledge

Genetic Services Laboratory, University of Chicago
Classification: Uncertain significance. Last evaluated: 2015-09-03. Review status: criteria provided, single submitter. Criteria: ACMG Guidelines, 2015. Collection method: clinical testing. Allele origin: germline. Affected: no.